The following is an entry in ClinVar:

ClinVar aggregate classification (germline): Likely pathogenic (1 of 4 stars; one submission).

Submission:

GeneDx
Classification: Likely pathogenic. Last evaluated: 2018-07-13. Review status: criteria provided, single submitter. Criteria: GeneDx Variant Classification (06012015). Collection method: clinical testing. Allele origin: germline. Affected: yes.
Comment: The c.433_448del16 variant in the AMMECR1 gene has not been reported previously as a pathogenic variant nor as a benign variant, to our knowledge. The c.433_448del16 variant causes a frameshift starting with codon Tyrosine 145, changes this amino acid to a Proline residue, and creates a premature Stop codon at position 13 of the new reading frame, denoted p.Tyr145ProfsX13. This variant is predicted to cause loss of normal protein function either through protein truncation or nonsense-mediated mRNA decay. The c.433_448del16 variant is not observed in large population cohorts (Lek et al., 2016). We interpret c.433_448del16 as a likely pathogenic variant.

NM_015365.3(AMMECR1):c.433_448del (p.Tyr145fs)

Gene: AMMECR1 (AMMECR nuclear protein 1; minus strand). Cytogenetic location: Xq23.
Variant type: Deletion.
Coding change: c.433_448del on transcript NM_015365.3 (MANE Select); coding-DNA positions 433 to 448, 16 bases deleted (TACCAGCAGCCCCGGA).
Protein change: p.Tyr145fs; shifts the reading frame from tyrosine 145.
Molecular consequence: frameshift variant.
Genome position (GRCh38, 1-based): chrX:110,317,624-110,317,639, TCCGGGGCTGCTGGTA deleted on the plus strand (TACCAGCAGCCCCGGA on the coding strand, the reverse complement: AMMECR1 is on the minus strand); deleting any 16 consecutive bases within chrX:110,317,624-110,317,642 gives the same sequence; the c. name uses the placement nearest the transcript's 3' end. VCF-style (leftmost placement, unchanged base first): chrX-110317623-GTCCGGGGCTGCTGGTA-G. GRCh37 (hg19) VCF-style: chrX-109560851-GTCCGGGGCTGCTGGTA-G.
Other names: c.433_448del, p.Tyr145fs (NM_001025580.2); c.64_79del, p.Tyr22fs (NM_001171689.2); short protein forms Y22fs, Y145fs.
Identifiers: ClinVar variation 817146 (VCV000817146.1), dbSNP rs1602891688, ClinGen allele CA915951337.